The following is an entry in ClinVar:

ClinVar aggregate classification (germline): Uncertain significance (1 of 4 stars; one submission).

Conditions:
Hereditary cancer-predisposing syndrome. Also called: Tumor predisposition; Hereditary Cancer Syndrome; Neoplastic Syndromes, Hereditary; Hereditary neoplastic syndrome. Identifiers: Orphanet 140162, MedGen C0027672, MeSH D009386, MONDO:0015356.

Allele frequency attached by ClinVar (database versions not stated): TOPMed below 0.00001.

Submission:

Ambry Genetics
Classification: Uncertain significance for Hereditary cancer-predisposing syndrome. Last evaluated: 2025-10-10. Review status: criteria provided, single submitter. Criteria: Ambry Variant Classification Scheme 2023. Collection method: clinical testing. Allele origin: germline.
Comment: The p.T297I variant (also known as c.890C>T), located in coding exon 6 of the ATM gene, results from a C to T substitution at nucleotide position 890. The threonine at codon 297 is replaced by isoleucine, an amino acid with similar properties. This amino acid position is not well conserved in available vertebrate species. In addition, this alteration is predicted to be tolerated by in silico analysis. Since supporting evidence is limited at this time, the clinical significance of this alteration remains unclear.

NM_000051.4(ATM):c.890C>T (p.Thr297Ile)

Gene: ATM (ATM serine/threonine kinase; plus strand). Cytogenetic location: 11q22.3.
Variant type: single nucleotide variant.
Coding change: c.890C>T on transcript NM_000051.4 (MANE Select); coding-DNA position 890, C replaced by T.
Protein change: p.Thr297Ile; replaces threonine 297 with isoleucine.
Molecular consequence: missense variant.
Genome position (GRCh38, 1-based): chr11:108,245,015, C>T. VCF-style: chr11-108245015-C-T. GRCh37 (hg19) VCF-style: chr11-108115742-C-T.
Other names: c.890C>T, p.Thr297Ile (NM_001351834.2); short protein forms T297I.
Identifiers: ClinVar variation 822812 (VCV000822812.5), dbSNP rs969263740, ClinGen allele CA228385024.